The following is an entry in ClinVar:

ClinVar aggregate classification (germline): Uncertain significance (1 of 4 stars; one submission).

Conditions:
Inborn genetic diseases. Identifiers: MedGen C0950123, MeSH D030342.

Allele frequency attached by ClinVar (database versions not stated): gnomAD 0.00001; TOPMed 0.00001; gnomAD exomes 0.00002.
gnomAD v4.1: 24 of 1,528,292 alleles (0.0016%); highest among the groups gnomAD compares: East Asian, 0.0024%; no homozygotes.

Submission:

Ambry Genetics
Classification: Uncertain significance for Inborn genetic diseases. Last evaluated: 2022-07-22. Review status: criteria provided, single submitter. Criteria: Ambry Variant Classification Scheme 2023. Collection method: clinical testing. Allele origin: germline.
Comment: The c.1408G>A (p.G470S) alteration is located in exon 10 (coding exon 10) of the SHANK1 gene. This alteration results from a G to A substitution at nucleotide position 1408, causing the glycine (G) at amino acid position 470 to be replaced by a serine (S). Based on data from gnomAD, the A allele has an overall frequency of 0.0007% (1/152002) total alleles studied. This amino acid position is not well conserved in available vertebrate species. This alteration is predicted to be tolerated by in silico analysis. Based on insufficient or conflicting evidence, the clinical significance of this alteration remains unclear.

NM_016148.5(SHANK1):c.1408G>A (p.Gly470Ser)

Gene: SHANK1 (SH3 and multiple ankyrin repeat domains 1; minus strand). Cytogenetic location: 19q13.33.
Variant type: single nucleotide variant.
Coding change: c.1408G>A on transcript NM_016148.5 (MANE Select); coding-DNA position 1408, G replaced by A.
Protein change: p.Gly470Ser; replaces glycine 470 with serine.
Molecular consequence: missense variant.
Genome position (GRCh38, 1-based): chr19:50,703,645, C>T on the plus strand (G>A on the coding strand, the complement: SHANK1 is on the minus strand). VCF-style: chr19-50703645-C-T. GRCh37 (hg19) VCF-style: chr19-51206902-C-T.
Other names: short protein forms G470S.
Identifiers: ClinVar variation 2300486 (VCV002300486.2), dbSNP rs1030468285, ClinGen allele CA309652406.